The following is an entry in ClinVar:

ClinVar aggregate classification (germline): Likely benign (1 of 4 stars; one submission).

Conditions:
GPR45-related condition.

gnomAD v4.1: 1 of 1,605,976 alleles (0.000062%); highest among the groups gnomAD compares: Non-Finnish European, 0.000085%; no homozygotes.

Submission:

PreventionGenetics, part of Exact Sciences
Classification: Likely benign for GPR45-related condition. Last evaluated: 2026-06-08. Review status: criteria provided, single submitter. Criteria: ACMG Guidelines, 2015. Collection method: clinical testing. Allele origin: germline.
Comment: This variant is classified as likely benign based on ACMG/AMP sequence variant interpretation guidelines (Richards et al. 2015 PMID: 25741868, with internal and published modifications).

NM_007227.3(GPR45):c.660C>T (p.Asn220=)

Gene: GPR45 (G protein-coupled receptor 45; plus strand). Cytogenetic location: 2q12.1.
Variant type: single nucleotide variant.
Coding change: c.660C>T on transcript NM_007227.3 (MANE Select); coding-DNA position 660, C replaced by T.
Protein change: p.Asn220=; no amino-acid change (asparagine 220 retained).
Molecular consequence: synonymous variant.
Genome position (GRCh38, 1-based): chr2:105,242,518, C>T. VCF-style: chr2-105242518-C-T. GRCh37 (hg19) VCF-style: chr2-105858975-C-T.
Identifiers: ClinVar variation 4996049 (VCV004996049.1).